The following is an entry in ClinVar:

NM_001271.4(CHD2):c.4828G>A (p.Ala1610Thr)

Gene: CHD2 (chromodomain helicase DNA binding protein 2; plus strand). Cytogenetic location: 15q26.1.
Variant type: single nucleotide variant.
Coding change: c.4828G>A on transcript NM_001271.4 (MANE Select); coding-DNA position 4828, G replaced by A.
Protein change: p.Ala1610Thr; replaces alanine 1610 with threonine.
Molecular consequence: missense variant.
Genome position (GRCh38, 1-based): chr15:93,014,831, G>A. VCF-style: chr15-93014831-G-A. GRCh37 (hg19) VCF-style: chr15-93558061-G-A.
Other names: short protein forms A1610T.
Identifiers: ClinVar variation 3636692 (VCV003636692.2).

ClinVar aggregate classification (germline): Uncertain significance (1 of 4 stars; one submission).

Conditions:
Developmental and epileptic encephalopathy 94 (DEE94). Also called: Epileptic encephalopathy, childhood-onset; CHD2-Related Neurodevelopmental Disorders. Identifiers: Orphanet 1942, Orphanet 2382, MedGen C3809278, MONDO:0014150, OMIM 615369.

Submission:

Labcorp Genetics (formerly Invitae), Labcorp
Classification: Uncertain significance for Developmental and epileptic encephalopathy 94. Last evaluated: 2024-12-10. Review status: criteria provided, single submitter. Criteria: Invitae Variant Classification Sherloc (09022015). Collection method: clinical testing. Allele origin: germline.
Comment: This sequence change replaces alanine, which is neutral and non-polar, with threonine, which is neutral and polar, at codon 1610 of the CHD2 protein (p.Ala1610Thr). This variant is not present in population databases (gnomAD no frequency). This variant has not been reported in the literature in individuals affected with CHD2-related conditions. Invitae Evidence Modeling of protein sequence and biophysical properties (such as structural, functional, and spatial information, amino acid conservation, physicochemical variation, residue mobility, and thermodynamic stability) indicates that this missense variant is not expected to disrupt CHD2 protein function with a negative predictive value of 95%. In summary, the available evidence is currently insufficient to determine the role of this variant in disease. Therefore, it has been classified as a Variant of Uncertain Significance.